The following is an entry in ClinVar:

NM_031475.3(ESPN):c.1701dup (p.Ser568fs)

Gene: ESPN (espin; plus strand). Cytogenetic location: 1p36.31.
Variant type: Duplication.
Coding change: c.1701dup on transcript NM_031475.3 (MANE Select); coding-DNA position 1701, one base duplicated (C; older notation c.1701dupC).
Protein change: p.Ser568fs; shifts the reading frame from serine 568.
Molecular consequence: frameshift variant. On other transcripts: intron variant (2).
Genome position (GRCh38, 1-based): chr1:6,448,877, C duplicated; the last of 4 consecutive C bases (chr1:6,448,874-6,448,877); duplicating any one gives the same sequence. VCF-style (leftmost placement, unchanged base first): chr1-6448873-G-GC. GRCh37 (hg19) VCF-style: chr1-6508933-G-GC.
Other names: c.1701dupC (NM_031475.2); c.1627-16dup (NM_001367474.1, NM_001367473.1); short protein forms S568fs.
Identifiers: ClinVar variation 4931731 (VCV004931731.2).

ClinVar aggregate classification (germline): Likely pathogenic. Review status: criteria provided, multiple submitters, no conflicts (2 of 4 stars). 2 submissions from 2 submitters: Likely pathogenic (2). Last evaluated 2026-03-03.

Conditions:
ESPN-related disorder. Also called: ESPN-related condition.

Submissions (2):

PreventionGenetics, part of Exact Sciences
Classification: Likely pathogenic for ESPN-related condition. Last evaluated: 2026-03-03. Review status: criteria provided, single submitter. Criteria: ACMG Guidelines, 2015. Collection method: clinical testing. Allele origin: germline.
Comment: The ESPN c.1701dupC variant is predicted to result in a frameshift and premature protein termination (p.Ser568Leufs*16). To our knowledge, this variant has not been reported in the literature. This variant is reported in 0.015% of alleles in individuals of European (Non-Finnish) descent in gnomAD. Frameshift variants in ESPN are expected to be pathogenic. This variant is interpreted as likely pathogenic.

Blueprint Genetics
Classification: Likely pathogenic for ESPN-related disorders. Last evaluated: 2024-10-30. Review status: criteria provided, single submitter. Criteria: ACMG Guidelines, 2015. Collection method: clinical testing. Allele origin: germline. Affected: yes. Observed: 5 variant alleles.